The following is an entry in ClinVar:

NM_016507.4(CDK12):c.3879G>C (p.Leu1293Phe)

Gene: CDK12 (cyclin dependent kinase 12; plus strand). Cytogenetic location: 17q12.
Variant type: single nucleotide variant.
Coding change: c.3879G>C on transcript NM_016507.4 (MANE Select); coding-DNA position 3879, G replaced by C.
Protein change: p.Leu1293Phe; replaces leucine 1293 with phenylalanine.
Molecular consequence: missense variant.
Genome position (GRCh38, 1-based): chr17:39,530,722, G>C. VCF-style: chr17-39530722-G-C. GRCh37 (hg19) VCF-style: chr17-37686975-G-C.
Other names: c.3852G>C, p.Leu1284Phe (NM_015083.4); short protein forms L1284F, L1293F.
Identifiers: ClinVar variation 5034092 (VCV005034092.1).

ClinVar aggregate classification (germline): Uncertain significance (1 of 4 stars; one submission).

Submission:

Ambry Genetics
Classification: Uncertain significance. Last evaluated: 2026-07-13. Review status: criteria provided, single submitter. Criteria: Ambry Variant Classification Scheme 2023. Collection method: clinical testing. Allele origin: germline.
Comment: The p.L1293F variant (also known as c.3879G>C), located in coding exon 14 of the CDK12 gene, results from a G to C substitution at nucleotide position 3879. The leucine at codon 1293 is replaced by phenylalanine, an amino acid with highly similar properties. This amino acid position is conserved. In addition, this alteration is predicted to be tolerated by in silico analysis. Based on the available evidence, the clinical significance of this variant remains unclear.